The following is an entry in ClinVar:

NM_006214.4(PHYH):c.388C>A (p.Leu130Ile)

Gene: PHYH (phytanoyl-CoA 2-hydroxylase; minus strand). Cytogenetic location: 10p13.
Variant type: single nucleotide variant.
Coding change: c.388C>A on transcript NM_006214.4 (MANE Select); coding-DNA position 388, C replaced by A.
Protein change: p.Leu130Ile; replaces leucine 130 with isoleucine.
Molecular consequence: missense variant.
Genome position (GRCh38, 1-based): chr10:13,294,454, G>T on the plus strand (C>A on the coding strand, the complement: PHYH is on the minus strand). VCF-style: chr10-13294454-G-T. GRCh37 (hg19) VCF-style: chr10-13336454-G-T.
Other names: c.88C>A, p.Leu30Ile (NM_001037537.2, NM_001323080.2, NM_001323084.2); c.388C>A, p.Leu130Ile (NM_001323082.2, NM_001323083.2); short protein forms L130I, L30I.
Identifiers: ClinVar variation 1509902 (VCV001509902.8), dbSNP rs751515293, ClinGen allele CA203282972.

ClinVar aggregate classification (germline): Uncertain significance (1 of 4 stars; one submission).

Allele frequency attached by ClinVar (database versions not stated): gnomAD 0.00001; TOPMed 0.00001.
gnomAD v4.1: 11 of 1,613,986 alleles (0.00068%); highest among the groups gnomAD compares: Non-Finnish European, 0.00068%; no homozygotes.

Submission:

Labcorp Genetics (formerly Invitae), Labcorp
Classification: Uncertain significance. Last evaluated: 2024-01-02. Review status: criteria provided, single submitter. Criteria: Invitae Variant Classification Sherloc (09022015). Collection method: clinical testing. Allele origin: germline.
Comment: This sequence change replaces leucine, which is neutral and non-polar, with isoleucine, which is neutral and non-polar, at codon 130 of the PHYH protein (p.Leu130Ile). This variant is present in population databases (no rsID available, gnomAD 0.007%). This variant has not been reported in the literature in individuals affected with PHYH-related conditions. ClinVar contains an entry for this variant (Variation ID: 1509902). Advanced modeling of protein sequence and biophysical properties (such as structural, functional, and spatial information, amino acid conservation, physicochemical variation, residue mobility, and thermodynamic stability) performed at Invitae indicates that this missense variant is expected to disrupt PHYH protein function with a positive predictive value of 80%. In summary, the available evidence is currently insufficient to determine the role of this variant in disease. Therefore, it has been classified as a Variant of Uncertain Significance.